The following is an entry in ClinVar:

NM_173689.7(CRB2):c.1627C>T (p.Arg543Trp)

Gene: CRB2 (crumbs cell polarity complex component 2; plus strand). Cytogenetic location: 9q33.3.
Variant type: single nucleotide variant.
Coding change: c.1627C>T on transcript NM_173689.7 (MANE Select); coding-DNA position 1627, C replaced by T.
Protein change: p.Arg543Trp; replaces arginine 543 with tryptophan.
Molecular consequence: missense variant. On other transcripts: non-coding transcript variant (1).
Genome position (GRCh38, 1-based): chr9:123,370,680, C>T. VCF-style: chr9-123370680-C-T. GRCh37 (hg19) VCF-style: chr9-126132959-C-T.
Other names: c.1627C>T (NM_173689.5, NM_173689.6); short protein forms R543W.
Identifiers: ClinVar variation 1403593 (VCV001403593.12), dbSNP rs146158114, ClinGen allele CA5232007.

ClinVar aggregate classification (germline): Uncertain significance. Review status: criteria provided, multiple submitters, no conflicts (2 of 4 stars). 5 submissions from 5 submitters: Uncertain significance (5). Last evaluated 2024-11-22.

Conditions:
Inborn genetic diseases. Identifiers: MedGen C0950123, MeSH D030342.
Focal segmental glomerulosclerosis 9 (FSGS9). Identifiers: Orphanet 656, MedGen C4015555, MONDO:0014539, OMIM 616220.

Allele frequency attached by ClinVar (database versions not stated): ESP Exome Variant Server 0.00015; gnomAD 0.00025 and 0.00027; TOPMed 0.00026.
gnomAD v4.1: 525 of 1,606,096 alleles (0.033%); highest among the groups gnomAD compares: Non-Finnish European, 0.043%; 1 homozygote.

Submissions (5):

Clinical Genomics Laboratory, Washington University in St. Louis
Classification: Uncertain significance for Focal segmental glomerulosclerosis 9. Last evaluated: 2024-11-22. Review status: criteria provided, single submitter. Criteria: ACMG Guidelines, 2015. Collection method: clinical testing. Allele origin: germline.
Comment: A CRB2 c.1627C>T (p.Arg543Trp) variant was identified. This variant, to our knowledge, has not been reported in the medical literature. It is observed on 36/277,086 alleles in the general population (gnomAD v.2.1.1) and has been reported in the ClinVar database as a germline variant of uncertain significance by two submitters (ClinVar ID: 1403593). Computational predictors suggest that the variant does not impact CRB2 function. Due to limited information, and based on ACMG/AMP guidelines for variant interpretation (Richards S et al., PMID: 25741868), the clinical significance of the CRB2 c.1627C>T (p.Arg543Trp) variant is uncertain at this time.

Labcorp Genetics (formerly Invitae), Labcorp
Classification: Uncertain significance. Last evaluated: 2024-10-24. Review status: criteria provided, single submitter. Criteria: Invitae Variant Classification Sherloc (09022015). Collection method: clinical testing. Allele origin: germline.
Comment: This sequence change replaces arginine, which is basic and polar, with tryptophan, which is neutral and slightly polar, at codon 543 of the CRB2 protein (p.Arg543Trp). This variant is present in population databases (rs146158114, gnomAD 0.02%). This variant has not been reported in the literature in individuals affected with CRB2-related conditions. ClinVar contains an entry for this variant (Variation ID: 1403593). Invitae Evidence Modeling of protein sequence and biophysical properties (such as structural, functional, and spatial information, amino acid conservation, physicochemical variation, residue mobility, and thermodynamic stability) indicates that this missense variant is not expected to disrupt CRB2 protein function with a negative predictive value of 80%. In summary, the available evidence is currently insufficient to determine the role of this variant in disease. Therefore, it has been classified as a Variant of Uncertain Significance.

Blueprint Genetics
Classification: Uncertain significance. Last evaluated: 2024-09-03. Review status: criteria provided, single submitter. Criteria: ACMG Guidelines, 2015. Collection method: clinical testing. Allele origin: germline.

GeneDx
Classification: Uncertain significance. Last evaluated: 2024-05-16. Review status: criteria provided, single submitter. Criteria: GeneDx Variant Classification Process June 2021. Collection method: clinical testing. Allele origin: germline. Affected: yes.
Comment: In silico analysis supports that this missense variant has a deleterious effect on protein structure/function; Has not been previously published as pathogenic or benign to our knowledge

Ambry Genetics
Classification: Uncertain significance for Inborn genetic diseases. Last evaluated: 2021-01-28. Review status: criteria provided, single submitter. Criteria: Ambry Variant Classification Scheme 2023. Collection method: clinical testing. Allele origin: germline.
Comment: The c.1627C>T (p.R543W) alteration is located in exon 7 (coding exon 7) of the CRB2 gene. This alteration results from a C to T substitution at nucleotide position 1627, causing the arginine (R) at amino acid position 543 to be replaced by a tryptophan (W). The p.R543W alteration is predicted to be tolerated by in silico analysis. Based on insufficient or conflicting evidence, the clinical significance of this alteration remains unclear.